The following is an entry in ClinVar:

ClinVar aggregate classification (germline): Pathogenic (1 of 4 stars; one submission).

Conditions:
Vici syndrome (VICIS). Identifiers: Orphanet 1493, MedGen C1855772, MONDO:0009452, OMIM 242840.

Allele frequency attached by ClinVar (database versions not stated): gnomAD exomes below 0.00001; gnomAD 0.00001; TOPMed 0.00001.

Submission:

Labcorp Genetics (formerly Invitae), Labcorp
Classification: Pathogenic for Vici syndrome. Last evaluated: 2023-10-09. Review status: criteria provided, single submitter. Criteria: Invitae Variant Classification Sherloc (09022015). Collection method: clinical testing. Allele origin: germline.
Comment: This sequence change creates a premature translational stop signal (p.Gln1546*) in the EPG5 gene. It is expected to result in an absent or disrupted protein product. Loss-of-function variants in EPG5 are known to be pathogenic (PMID: 23222957, 23674064). This variant is present in population databases (no rsID available, gnomAD 0.0009%). This variant has not been reported in the literature in individuals affected with EPG5-related conditions. For these reasons, this variant has been classified as Pathogenic.

Literature cited by the submitters: PubMed 23222957; PubMed 23674064.

NM_020964.3(EPG5):c.4636C>T (p.Gln1546Ter)

Gene: EPG5 (ectopic P-granules 5 autophagy tethering factor; minus strand). Cytogenetic location: 18q21.1.
Variant type: single nucleotide variant.
Coding change: c.4636C>T on transcript NM_020964.3 (MANE Select); coding-DNA position 4636, C replaced by T.
Protein change: p.Gln1546Ter; replaces glutamine 1546 with a stop codon.
Molecular consequence: nonsense.
Genome position (GRCh38, 1-based): chr18:45,901,006, G>A on the plus strand (C>T on the coding strand, the complement: EPG5 is on the minus strand). VCF-style: chr18-45901006-G-A. GRCh37 (hg19) VCF-style: chr18-43480971-G-A.
Other names: c.4636C>T, p.Gln1546Ter (NM_001410858.1, NM_001410859.1); short protein forms Q1546*.
Identifiers: ClinVar variation 2767151 (VCV002767151.3), dbSNP rs1339060037, ClinGen allele CA402337359.
Genomic context (GRCh38, chr18:45,901,006, plus strand): 5'-GTCAAAGCCACCAACATGGGAACATGATCCGTGAGGCTGCATGGTCTTACCTGGCCTGCT[G>A]TTGCAACAGATTCAGGTCTGTGCACACCAGCTGGGTGGCGTCCTTCTGACTCAATAGCAC-3'